The following is an entry in ClinVar:

NM_021116.4(ADCY1):c.1487C>T (p.Ala496Val)

Gene: ADCY1 (adenylate cyclase 1; plus strand). Cytogenetic location: 7p12.3.
Variant type: single nucleotide variant.
Coding change: c.1487C>T on transcript NM_021116.4 (MANE Select); coding-DNA position 1487, C replaced by T.
Protein change: p.Ala496Val; replaces alanine 496 with valine.
Molecular consequence: missense variant.
Genome position (GRCh38, 1-based): chr7:45,662,096, C>T. VCF-style: chr7-45662096-C-T. GRCh37 (hg19) VCF-style: chr7-45701695-C-T.
Other names: c.812C>T, p.Ala271Val (NM_001281768.2); short protein forms A496V, A271V.
Identifiers: ClinVar variation 3660695 (VCV003660695.2).

ClinVar aggregate classification (germline): Uncertain significance (1 of 4 stars; one submission).

gnomAD v4.1: 3 of 1,614,104 alleles (0.00019%); highest among the groups gnomAD compares: South Asian, 0.0011%; no homozygotes.

Submission:

Labcorp Genetics (formerly Invitae), Labcorp
Classification: Uncertain significance. Last evaluated: 2024-09-23. Review status: criteria provided, single submitter. Criteria: Invitae Variant Classification Sherloc (09022015). Collection method: clinical testing. Allele origin: germline.
Comment: This sequence change replaces alanine, which is neutral and non-polar, with valine, which is neutral and non-polar, at codon 496 of the ADCY1 protein (p.Ala496Val). This variant is not present in population databases (gnomAD no frequency). This variant has not been reported in the literature in individuals affected with ADCY1-related conditions. Invitae Evidence Modeling of protein sequence and biophysical properties (such as structural, functional, and spatial information, amino acid conservation, physicochemical variation, residue mobility, and thermodynamic stability) indicates that this missense variant is not expected to disrupt ADCY1 protein function with a negative predictive value of 80%. In summary, the available evidence is currently insufficient to determine the role of this variant in disease. Therefore, it has been classified as a Variant of Uncertain Significance.